The following is an entry in ClinVar:

ClinVar aggregate classification (germline): Uncertain significance. Review status: criteria provided, multiple submitters, no conflicts (2 of 4 stars). 2 submissions from 2 submitters: Uncertain significance (2). Last evaluated 2025-08-08.

Conditions:
Inborn genetic diseases. Identifiers: MedGen C0950123, MeSH D030342.
Combined immunodeficiency due to LRBA deficiency. Also called: Common variable immunodeficiency 8, with autoimmunity. Identifiers: Orphanet 445018, MedGen C3553512, MONDO:0013863, OMIM 614700.

Allele frequency attached by ClinVar (database versions not stated): ExAC 0.00001; gnomAD exomes 0.00001; TOPMed 0.00002; gnomAD 0.00003; ESP Exome Variant Server 0.00008.
gnomAD v4.1: 23 of 1,613,652 alleles (0.0014%); highest among the groups gnomAD compares: African/African-American, 0.0027%; no homozygotes.

Submissions (2):

Ambry Genetics
Classification: Uncertain significance for Inborn genetic diseases. Last evaluated: 2025-08-08. Review status: criteria provided, single submitter. Criteria: Ambry Variant Classification Scheme 2023. Collection method: clinical testing. Allele origin: germline.

Labcorp Genetics (formerly Invitae), Labcorp
Classification: Uncertain significance for Combined immunodeficiency due to LRBA deficiency. Last evaluated: 2021-01-04. Review status: criteria provided, single submitter. Criteria: Invitae Variant Classification Sherloc (09022015). Collection method: clinical testing. Allele origin: germline.
Comment: In summary, the available evidence is currently insufficient to determine the role of this variant in disease. Therefore, it has been classified as a Variant of Uncertain Significance. Algorithms developed to predict the effect of missense changes on protein structure and function are either unavailable or do not agree on the potential impact of this missense change (SIFT: "Deleterious"; PolyPhen-2: "Benign"; Align-GVGD: "Class C0"). This variant has not been reported in the literature in individuals with LRBA-related conditions. This variant is present in population databases (rs149204587, ExAC 0.002%). This sequence change replaces methionine with valine at codon 95 of the LRBA protein (p.Met95Val). The methionine residue is weakly conserved and there is a small physicochemical difference between methionine and valine.

NM_001364905.1(LRBA):c.283A>G (p.Met95Val)

Gene: LRBA (LPS responsive beige-like anchor protein; minus strand). Cytogenetic location: 4q31.3.
Variant type: single nucleotide variant.
Coding change: c.283A>G on transcript NM_001364905.1 (MANE Select); coding-DNA position 283, A replaced by G.
Protein change: p.Met95Val; replaces methionine 95 with valine.
Molecular consequence: missense variant.
Genome position (GRCh38, 1-based): chr4:150,928,999, T>C on the plus strand (A>G on the coding strand, the complement: LRBA is on the minus strand). VCF-style: chr4-150928999-T-C. GRCh37 (hg19) VCF-style: chr4-151850151-T-C.
Other names: c.283A>G, p.Met95Val (NM_001199282.3, NM_001367550.1, NM_006726.5); short protein forms M95V.
Identifiers: ClinVar variation 1449598 (VCV001449598.7), dbSNP rs149204587, ClinGen allele CA3103911.